The following is an entry in ClinVar:

ClinVar aggregate classification (germline): Likely benign. Review status: criteria provided, single submitter (1 of 4 stars). 2 submissions from 2 submitters: Likely benign (1). 1 of the submissions does not count toward it. Last evaluated 2026-02-01.

Conditions:
DSCAML1-related disorder. Also called: DSCAML1-related condition.

Allele frequency attached by ClinVar (database versions not stated): 1000 Genomes Project 0.00100; 1000 Genomes Project 30x 0.00125; gnomAD exomes 0.00312; TOPMed 0.00315; gnomAD 0.00325 and 0.00336; ExAC 0.00335; ESP Exome Variant Server 0.00369.
gnomAD v4.1: 7,532 of 1,613,688 alleles (0.47%); highest among the groups gnomAD compares: Non-Finnish European, 0.58%; 34 homozygotes.

Submissions (2):

Labcorp Genetics (formerly Invitae), Labcorp
Classification: Likely benign. Last evaluated: 2026-02-01. Review status: criteria provided, single submitter. Criteria: Invitae Variant Classification Sherloc (09022015). Collection method: clinical testing. Allele origin: germline.

PreventionGenetics, part of Exact Sciences
Classification: Likely benign for DSCAML1-related condition. Last evaluated: 2024-05-03. Review status: no assertion criteria provided. Collection method: clinical testing. Allele origin: germline. Not counted in ClinVar's aggregate classification.
Comment: This variant is classified as likely benign based on ACMG/AMP sequence variant interpretation guidelines (Richards et al. 2015 PMID: 25741868, with internal and published modifications).

NM_020693.4(DSCAML1):c.4019G>A (p.Arg1340Gln)

Gene: DSCAML1 (DS cell adhesion molecule like 1; minus strand). Cytogenetic location: 11q23.3.
Variant type: single nucleotide variant.
Coding change: c.4019G>A on transcript NM_020693.4 (MANE Select); coding-DNA position 4019, G replaced by A.
Protein change: p.Arg1340Gln; replaces arginine 1340 with glutamine.
Molecular consequence: missense variant.
Genome position (GRCh38, 1-based): chr11:117,439,391, C>T on the plus strand (G>A on the coding strand, the complement: DSCAML1 is on the minus strand). VCF-style: chr11-117439391-C-T. GRCh37 (hg19) VCF-style: chr11-117310107-C-T.
Other names: short protein forms R1340Q.
Identifiers: ClinVar variation 709652 (VCV000709652.11), dbSNP rs61730454, ClinGen allele CA6296507.